The following is an entry in ClinVar:

NM_000243.3(MEFV):c.1895G>T (p.Gly632Val)

Genes: MEFV (MEFV innate immunity regulator, pyrin; minus strand), LOC126862264 (CDK7 strongly-dependent group 2 enhancer GRCh37_chr16:3293322-3294521; plus strand). Cytogenetic location: 16p13.3.
Variant type: single nucleotide variant.
Coding change: c.1895G>T on transcript NM_000243.3 (MANE Select); coding-DNA position 1895, G replaced by T.
Protein change: p.Gly632Val; replaces glycine 632 with valine.
Molecular consequence: missense variant. On other transcripts: 3 prime UTR variant (1).
Genome position (GRCh38, 1-based): chr16:3,243,592, C>A on the plus strand (G>T on the coding strand, the complement: MEFV is on the minus strand). VCF-style: chr16-3243592-C-A. GRCh37 (hg19) VCF-style: chr16-3293592-C-A.
Other names: c.*99G>T (NM_001198536.2); short protein forms G632V.
Identifiers: ClinVar variation 2627115 (VCV002627115.1), dbSNP rs967990798, ClinGen allele CA394487878.
Genomic context (GRCh38, chr16:3,243,592, plus strand): 5'-CGGCCAGAGAGGAAACTCGGAGAGCCCAGAACAATGATACAGCTGTCAAATCTTTGCGGG[C>A]CATCAGGCAGCCTCTCCCACTTGTTTCCAAGTCTAACACTCTTCAGATCATCAGAGAAGA-3'
Protein context (NP_000234.1, residues 622-642): LGNKWERLPD[Gly632Val]PQRFDSCIIV

ClinVar aggregate classification (germline): Uncertain significance (1 of 4 stars; one submission).

Submission:

Women's Health and Genetics/Laboratory Corporation of America, LabCorp
Classification: Uncertain significance. Last evaluated: 2023-09-01. Review status: criteria provided, single submitter. Criteria: LabCorp Variant Classification Summary - May 2015. Collection method: clinical testing. Allele origin: germline.
Comment: Variant summary: MEFV c.1895G>T (p.Gly632Val) results in a non-conservative amino acid change located in the B30.2/SPRY domain (IPR001870) of the encoded protein sequence. Four of five in-silico tools predict a benign effect of the variant on protein function. The variant was absent in 243580 control chromosomes. The available data on variant occurrences in the general population are insufficient to allow any conclusion about variant significance. To our knowledge, no occurrence of c.1895G>T in individuals affected with Familial Mediterranean Fever and no experimental evidence demonstrating its impact on protein function have been reported. No submitters have cited clinical-significance assessments for this variant to ClinVar after 2014. Based on the evidence outlined above, the variant was classified as uncertain significance.